The following is an entry in ClinVar:

ClinVar aggregate classification (germline): Uncertain significance (1 of 4 stars; one submission).

Conditions:
Immunodeficiency 51 (IMD51). Also called: CANDIDIASIS, FAMILIAL, 5. Identifiers: Orphanet 1334, MedGen C4310803, MONDO:0013500, OMIM 613953.

Allele frequency attached by ClinVar (database versions not stated): TOPMed below 0.00001; gnomAD 0.00001; gnomAD exomes 0.00001.
gnomAD v4.1: 5 of 1,604,524 alleles (0.00031%); highest among the groups gnomAD compares: African/African-American, 0.0013%; no homozygotes.

Submission:

Labcorp Genetics (formerly Invitae), Labcorp
Classification: Uncertain significance for Immunodeficiency 51. Last evaluated: 2022-08-01. Review status: criteria provided, single submitter. Criteria: Invitae Variant Classification Sherloc (09022015). Collection method: clinical testing. Allele origin: germline.
Comment: In summary, the available evidence is currently insufficient to determine the role of this variant in disease. Therefore, it has been classified as a Variant of Uncertain Significance. Algorithms developed to predict the effect of missense changes on protein structure and function are either unavailable or do not agree on the potential impact of this missense change (SIFT: "Deleterious"; PolyPhen-2: "Benign"; Align-GVGD: "Class C55"). ClinVar contains an entry for this variant (Variation ID: 476361). This variant has not been reported in the literature in individuals affected with IL17RA-related conditions. This variant is present in population databases (no rsID available, gnomAD 0.002%). This sequence change replaces arginine, which is basic and polar, with cysteine, which is neutral and slightly polar, at codon 468 of the IL17RA protein (p.Arg468Cys).

NM_014339.7(IL17RA):c.1402C>T (p.Arg468Cys)

Gene: IL17RA (interleukin 17 receptor A; plus strand). Cytogenetic location: 22q11.1.
Variant type: single nucleotide variant.
Coding change: c.1402C>T on transcript NM_014339.7 (MANE Select); coding-DNA position 1402, C replaced by T.
Protein change: p.Arg468Cys; replaces arginine 468 with cysteine.
Molecular consequence: missense variant.
Genome position (GRCh38, 1-based): chr22:17,108,621, C>T. VCF-style: chr22-17108621-C-T. GRCh37 (hg19) VCF-style: chr22-17589511-C-T.
Other names: c.1300C>T, p.Arg434Cys (NM_001289905.2); short protein forms R468C, R434C.
Identifiers: ClinVar variation 476361 (VCV000476361.8), dbSNP rs1465132286, ClinGen allele CA410216826.
Genomic context (GRCh38, chr22:17,108,621, plus strand): 5'-TCCCGCGGCACGCGCGCCAAGTGGCAGGCGCTCCTGGGCCGGGGGGCGCCTGTGCGGCTG[C>T]GCTGCGACCACGGAAAGCCCGTGGGGGACCTGTTCACTGCAGCCATGAACATGATCCTCC-3'
Protein context (NP_055154.3, residues 458-478): LLGRGAPVRL[Arg468Cys]CDHGKPVGDL